The following is an entry in ClinVar:

ClinVar aggregate classification (germline): Conflicting classifications of pathogenicity. Review status: criteria provided, conflicting classifications (1 of 4 stars). 2 submissions from 2 submitters: Uncertain significance (1); Likely benign (1). Last evaluated 2025-09-04.

Allele frequency attached by ClinVar (database versions not stated): gnomAD exomes below 0.00001 and 0.00001; gnomAD 0.00001; TOPMed 0.00001.
gnomAD v4.1: 9 of 1,365,432 alleles (0.00066%); highest among the groups gnomAD compares: Non-Finnish European, 0.00088%; no homozygotes.

Submissions (2):

Labcorp Genetics (formerly Invitae), Labcorp
Classification: Likely benign. Last evaluated: 2025-09-04. Review status: criteria provided, single submitter. Criteria: Invitae Variant Classification Sherloc (09022015). Collection method: clinical testing. Allele origin: germline.

GeneDx
Classification: Uncertain significance. Last evaluated: 2022-02-10. Review status: criteria provided, single submitter. Criteria: GeneDx Variant Classification Process June 2021. Collection method: clinical testing. Allele origin: germline. Affected: yes.
Comment: Not observed at significant frequency in large population cohorts (gnomAD); Has not been previously published as pathogenic or benign to our knowledge; In-silico analysis is inconclusive as to whether the variant alters gene splicing. In the absence of RNA/functional studies, the actual effect of this sequence change is unknown.

NM_080680.3(COL11A2):c.940-4G>T

Gene: COL11A2 (collagen type XI alpha 2 chain; minus strand). Cytogenetic location: 6p21.32.
Variant type: single nucleotide variant.
Coding change: c.940-4G>T on transcript NM_080680.3 (MANE Select); 4 bases into the intron before coding-DNA position 940, G replaced by T.
Molecular consequence: intron variant.
Genome position (GRCh38, 1-based): chr6:33,184,328, C>A on the plus strand (G>T on the coding strand, the complement: COL11A2 is on the minus strand). VCF-style: chr6-33184328-C-A. GRCh37 (hg19) VCF-style: chr6-33152105-C-A.
Other names: c.798+2299G>T (NM_080679.3); c.861+664G>T (NM_080681.3).
Identifiers: ClinVar variation 1302683 (VCV001302683.7), dbSNP rs1397179790, ClinGen allele CA566409892.
Genomic context (GRCh38, chr6:33,184,328, plus strand): 5'-ATATTCCTCTGCCTGGAACCTGTCGGCTGTGGGGGGGACCTGGAGATCTGTCTGCTCCTT[C>A]CCAGGGATGGGGAGGGAGAGGGGTAGATGGGGATGTTAGGGCTGAGAGGAGGCTTACCCT-3'